The following is an entry in ClinVar:

ClinVar aggregate classification (germline): Uncertain significance (1 of 4 stars; one submission).

gnomAD v4.1: 1 of 1,613,322 alleles (0.000062%); highest among the groups gnomAD compares: East Asian, 0.0022%; no homozygotes.

Submission:

GeneDx
Classification: Uncertain significance. Last evaluated: 2025-06-01. Review status: criteria provided, single submitter. Criteria: GeneDx Variant Classification Process June 2021. Collection method: clinical testing. Allele origin: germline. Affected: yes.
Comment: Not observed at significant frequency in large population cohorts (gnomAD); In silico analysis supports that this missense variant has a deleterious effect on protein structure/function; Has not been previously published as pathogenic or benign to our knowledge

NM_014991.6(WDFY3):c.4307G>C (p.Cys1436Ser)

Gene: WDFY3 (WD repeat and FYVE domain containing 3; minus strand). Cytogenetic location: 4q21.23.
Variant type: single nucleotide variant.
Coding change: c.4307G>C on transcript NM_014991.6 (MANE Select); coding-DNA position 4307, G replaced by C.
Protein change: p.Cys1436Ser; replaces cysteine 1436 with serine.
Molecular consequence: missense variant.
Genome position (GRCh38, 1-based): chr4:84,780,166, C>G on the plus strand (G>C on the coding strand, the complement: WDFY3 is on the minus strand). VCF-style: chr4-84780166-C-G. GRCh37 (hg19) VCF-style: chr4-85701319-C-G.
Other names: short protein forms C1436S.
Identifiers: ClinVar variation 4532526 (VCV004532526.1).